The following is an entry in ClinVar:

NM_000540.3(RYR1):c.5509C>T (p.Gln1837Ter)

Gene: RYR1 (ryanodine receptor 1; plus strand). Cytogenetic location: 19q13.2.
Variant type: single nucleotide variant.
Coding change: c.5509C>T on transcript NM_000540.3 (MANE Select); coding-DNA position 5509, C replaced by T.
Protein change: p.Gln1837Ter; replaces glutamine 1837 with a stop codon.
Molecular consequence: nonsense.
Genome position (GRCh38, 1-based): chr19:38,486,164, C>T. VCF-style: chr19-38486164-C-T. GRCh37 (hg19) VCF-style: chr19-38976804-C-T.
Other names: c.5509C>T, p.Gln1837Ter (NM_001042723.2); short protein forms Q1837*.
Identifiers: ClinVar variation 544402 (VCV000544402.10), dbSNP rs1249942711, ClinGen allele CA405655850.

ClinVar aggregate classification (germline): Pathogenic (1 of 4 stars; one submission).

Conditions:
RYR1-related disorder. Also called: RYR1-related condition; RYR1-related disorders. Identifiers: MedGen CN239331.

Allele frequency attached by ClinVar (database versions not stated): gnomAD exomes below 0.00001.

Submission:

Labcorp Genetics (formerly Invitae), Labcorp
Classification: Pathogenic for RYR1-related disorder. Last evaluated: 2022-01-13. Review status: criteria provided, single submitter. Criteria: Invitae Variant Classification Sherloc (09022015). Collection method: clinical testing. Allele origin: germline.
Comment: For these reasons, this variant has been classified as Pathogenic. ClinVar contains an entry for this variant (Variation ID: 544402). This variant has not been reported in the literature in individuals affected with RYR1-related conditions. This variant is present in population databases (no rsID available, gnomAD 0.003%). This sequence change creates a premature translational stop signal (p.Gln1837*) in the RYR1 gene. It is expected to result in an absent or disrupted protein product. Loss-of-function variants in RYR1 are known to be pathogenic (PMID: 20583297, 20839240, 23919265, 28818389).

Literature cited by the submitters: PubMed 20583297; PubMed 20839240; PubMed 23919265; PubMed 28818389.